The following is an entry in ClinVar:

ClinVar aggregate classification (germline): Likely benign. Review status: criteria provided, multiple submitters, no conflicts (2 of 4 stars). 3 submissions from 3 submitters: Likely benign (3). Last evaluated 2025-11-24.

Conditions:
Cardiovascular phenotype. Identifiers: MedGen CN230736.
Dilated cardiomyopathy 1G (CMD1G). Identifiers: Orphanet 154, MedGen C1858763, MONDO:0011400, OMIM 604145.
Autosomal recessive limb-girdle muscular dystrophy type 2J (LGMDR10). Also called: Limb-girdle muscular dystrophy, type 2J; MUSCULAR DYSTROPHY, LIMB-GIRDLE, AUTOSOMAL RECESSIVE 10. Identifiers: Orphanet 140922, MedGen C1837342, MONDO:0012127, OMIM 608807.

Allele frequency attached by ClinVar (database versions not stated): gnomAD 0.00001; gnomAD exomes 0.00001 and 0.00002; TOPMed 0.00001; ExAC 0.00003; 1000 Genomes Project 0.00020; 1000 Genomes Project 30x 0.00031.
gnomAD v4.1: 10 of 1,613,858 alleles (0.00062%); highest among the groups gnomAD compares: Middle Eastern, 0.017%; no homozygotes.

Submissions (3):

Labcorp Genetics (formerly Invitae), Labcorp
Classification: Likely benign for Dilated cardiomyopathy 1G; Autosomal recessive limb-girdle muscular dystrophy type 2J. Last evaluated: 2025-11-24. Review status: criteria provided, single submitter. Criteria: Invitae Variant Classification Sherloc (09022015). Collection method: clinical testing. Allele origin: germline.

CeGaT Center for Human Genetics Tuebingen
Classification: Likely benign. Last evaluated: 2025-09-01. Review status: criteria provided, single submitter. Criteria: CeGaT Center For Human Genetics Tuebingen Variant Classification Criteria Version 2. Collection method: clinical testing. Allele origin: germline. Affected: yes. Observed: 1 variant allele.
Comment: TTN: PM2:Supporting, BP4, BP7

Ambry Genetics
Classification: Likely benign for Cardiovascular phenotype. Last evaluated: 2022-03-25. Review status: criteria provided, single submitter. Criteria: Ambry Variant Classification Scheme 2023. Collection method: clinical testing. Allele origin: germline.

NM_001267550.2(TTN):c.21G>A (p.Thr7=)

Gene: TTN (titin; minus strand). Cytogenetic location: 2q31.2.
Variant type: single nucleotide variant.
Coding change: c.21G>A on transcript NM_001267550.2 (MANE Select); coding-DNA position 21, G replaced by A.
Protein change: p.Thr7=; no amino-acid change (threonine 7 retained).
Molecular consequence: synonymous variant.
Genome position (GRCh38, 1-based): chr2:178,804,622, C>T on the plus strand (G>A on the coding strand, the complement: TTN is on the minus strand). VCF-style: chr2-178804622-C-T. GRCh37 (hg19) VCF-style: chr2-179669349-C-T.
Other names: c.21G>A, p.Thr7= (NM_001256850.1, NM_003319.4, NM_133378.4 and 3 more transcripts).
Identifiers: ClinVar variation 706348 (VCV000706348.19), dbSNP rs535956871, ClinGen allele CA2006451.
Genomic context (GRCh38, chr2:178,804,622, plus strand): 5'-AGCCTCAAAGGTTGCGGTACTACCCTCCAGTACCACAACGCTTTGTAACGGCTGCGTAAA[C>T]GTCGGTGCTTGAGTTGTCATCTTTCTAGGCACTCTGAAAAAGAAGAGAAAATAAATTAGG-3'
Protein context (NP_001254479.2, residues 1-17): MTTQAP[Thr7=]FTQPLQSVVV